The following is an entry in ClinVar:

NM_015512.5(DNAH1):c.3107G>A (p.Trp1036Ter)

Gene: DNAH1 (dynein axonemal heavy chain 1; plus strand). Cytogenetic location: 3p21.1.
Variant type: single nucleotide variant.
Coding change: c.3107G>A on transcript NM_015512.5 (MANE Select); coding-DNA position 3107, G replaced by A.
Protein change: p.Trp1036Ter; replaces tryptophan 1036 with a stop codon.
Molecular consequence: nonsense.
Genome position (GRCh38, 1-based): chr3:52,353,182, G>A. VCF-style: chr3-52353182-G-A. GRCh37 (hg19) VCF-style: chr3-52387198-G-A.
Other names: short protein forms W1036*.
Identifiers: ClinVar variation 1451711 (VCV001451711.6), dbSNP rs1247282335, ClinGen allele CA353111241.

ClinVar aggregate classification (germline): Pathogenic (1 of 4 stars; one submission).

Conditions:
Spermatogenic failure 18. Identifiers: MedGen C4539783, MONDO:0054615, OMIM 617576.
Ciliary dyskinesia, primary, 37 (CILD37). Also called: CILIARY DYSKINESIA, PRIMARY, 37, WITH OR WITHOUT SITUS INVERSUS. Identifiers: MedGen C4539798, MONDO:0033204, OMIM 617577.

Allele frequency attached by ClinVar (database versions not stated): gnomAD exomes below 0.00001.
gnomAD v4.1: 1 of 1,614,002 alleles (0.000062%); highest among the groups gnomAD compares: Admixed American, 0.0017%; no homozygotes.

Submission:

Labcorp Genetics (formerly Invitae), Labcorp
Classification: Pathogenic for Ciliary dyskinesia, primary, 37; Spermatogenic failure 18. Last evaluated: 2025-08-18. Review status: criteria provided, single submitter. Criteria: Invitae Variant Classification Sherloc (09022015). Collection method: clinical testing. Allele origin: germline.
Comment: This sequence change creates a premature translational stop signal (p.Trp1036*) in the DNAH1 gene. It is expected to result in an absent or disrupted protein product. Loss-of-function variants in DNAH1 are known to be pathogenic (PMID: 27573432, 27798045). This variant is present in population databases (no rsID available, gnomAD 0.003%). This premature translational stop signal has been observed in individual(s) with dysplasia of the sperm fibrous sheath (PMID: 28577616). ClinVar contains an entry for this variant (Variation ID: 1451711). For these reasons, this variant has been classified as Pathogenic.

Literature cited by the submitters: PubMed 27573432; PubMed 27798045; PubMed 28577616.